The following is an entry in ClinVar:

ClinVar aggregate classification (germline): Uncertain significance. Review status: criteria provided, multiple submitters, no conflicts (2 of 4 stars). 2 submissions from 2 submitters: Uncertain significance (2). Last evaluated 2025-02-05.

Conditions:
Cardiovascular phenotype. Identifiers: MedGen CN230736.

Allele frequency attached by ClinVar (database versions not stated): gnomAD exomes 0.00005; ExAC 0.00048.
gnomAD v4.1: 66 of 1,557,306 alleles (0.0042%); highest among the groups gnomAD compares: South Asian, 0.074%; 3 homozygotes.

Submissions (2):

Labcorp Genetics (formerly Invitae), Labcorp
Classification: Uncertain significance. Last evaluated: 2025-02-05. Review status: criteria provided, single submitter. Criteria: Invitae Variant Classification Sherloc (09022015). Collection method: clinical testing. Allele origin: germline.
Comment: This sequence change replaces proline, which is neutral and non-polar, with serine, which is neutral and polar, at codon 1404 of the ALPK3 protein (p.Pro1404Ser). This variant is present in population databases (rs757982956, gnomAD 0.08%), including at least one homozygous and/or hemizygous individual. This variant has not been reported in the literature in individuals affected with ALPK3-related conditions. ClinVar contains an entry for this variant (Variation ID: 1738749). Invitae Evidence Modeling of protein sequence and biophysical properties (such as structural, functional, and spatial information, amino acid conservation, physicochemical variation, residue mobility, and thermodynamic stability) has been performed for this missense variant. However, the output from this modeling did not meet the statistical confidence thresholds required to predict the impact of this variant on ALPK3 protein function. In summary, the available evidence is currently insufficient to determine the role of this variant in disease. Therefore, it has been classified as a Variant of Uncertain Significance.

Ambry Genetics
Classification: Uncertain significance for Cardiovascular phenotype. Last evaluated: 2021-10-11. Review status: criteria provided, single submitter. Criteria: Ambry Variant Classification Scheme 2023. Collection method: clinical testing. Allele origin: germline.
Comment: The p.P1404S variant (also known as c.4210C>T), located in coding exon 6 of the ALPK3 gene, results from a C to T substitution at nucleotide position 4210. The proline at codon 1404 is replaced by serine, an amino acid with similar properties. This amino acid position is conserved. In addition, this alteration is predicted to be tolerated by in silico analysis. Since supporting evidence is limited at this time, the clinical significance of this alteration remains unclear.

NM_020778.5(ALPK3):c.3604C>T (p.Pro1202Ser)

Gene: ALPK3 (alpha kinase 3; plus strand). Cytogenetic location: 15q25.3.
Variant type: single nucleotide variant.
Coding change: c.3604C>T on transcript NM_020778.5 (MANE Select); coding-DNA position 3604, C replaced by T.
Protein change: p.Pro1202Ser; replaces proline 1202 with serine.
Molecular consequence: missense variant.
Genome position (GRCh38, 1-based): chr15:84,858,342, C>T. VCF-style: chr15-84858342-C-T. GRCh37 (hg19) VCF-style: chr15-85401573-C-T.
Other names: short protein forms P1202S.
Identifiers: ClinVar variation 1738749 (VCV001738749.7), dbSNP rs757982956, ClinGen allele CA7709673.